The following is an entry in ClinVar:

NM_004183.4(BEST1):c.1111GAG[1] (p.Glu372del)

Gene: BEST1 (bestrophin 1; plus strand). Cytogenetic location: 11q12.3.
Variant type: Microsatellite.
Coding change: c.1111GAG[1] on transcript NM_004183.4 (MANE Select); one copy of the 3-base unit GAG starting at c.1111; the reference has two copies in a row; one copy, 3 bases deleted.
Protein change: p.Glu372del; deletes glutamic acid 372.
Molecular consequence: inframe deletion. On other transcripts: inframe indel (3), non-coding transcript variant (1).
Genome position (GRCh38, 1-based): chr11:61,962,268-61,962,270, GAG deleted; deleting any 3 consecutive bases within chr11:61,962,265-61,962,270 gives the same sequence; the position shown is the placement nearest the transcript's 3' end. VCF-style (leftmost placement, unchanged base first): chr11-61962264-AGAG-A. GRCh37 (hg19) VCF-style: chr11-61729736-AGAG-A.
Other names: c.793_795GAG[1], p.Glu266del (NM_001363591.3); c.*6_*8GAG[1] (NM_001363592.2); c.139_141GAG[1], p.Glu48del (NM_001363593.3); c.931_933GAG[1], p.Glu312del (NM_001139443.3); c.850GAG[1], p.Glu285del (NM_001300786.2); c.931GAG[1], p.Glu312del (NM_001300787.2); short protein forms E312del, E266del, E372del, E285del, E48del.
Identifiers: ClinVar variation 1494004 (VCV001494004.6), dbSNP rs750298564, ClinGen allele CA6040999.

ClinVar aggregate classification (germline): Uncertain significance (1 of 4 stars; one submission).

Submission:

Labcorp Genetics (formerly Invitae), Labcorp
Classification: Uncertain significance. Last evaluated: 2024-01-17. Review status: criteria provided, single submitter. Criteria: Invitae Variant Classification Sherloc (09022015). Collection method: clinical testing. Allele origin: germline.
Comment: This variant, c.1114_1116del, results in the deletion of 1 amino acid(s) of the BEST1 protein (p.Glu372del), but otherwise preserves the integrity of the reading frame. This variant is present in population databases (rs750298564, gnomAD 0.01%). This variant has not been reported in the literature in individuals affected with BEST1-related conditions. Experimental studies and prediction algorithms are not available or were not evaluated, and the functional significance of this variant is currently unknown. In summary, the available evidence is currently insufficient to determine the role of this variant in disease. Therefore, it has been classified as a Variant of Uncertain Significance.